The following is an entry in ClinVar:

NM_001004320.2(AGMO):c.621C>G (p.Asn207Lys)

Gene: AGMO (alkylglycerol monooxygenase; minus strand). Cytogenetic location: 7p21.2.
Variant type: single nucleotide variant.
Coding change: c.621C>G on transcript NM_001004320.2 (MANE Select); coding-DNA position 621, C replaced by G.
Protein change: p.Asn207Lys; replaces asparagine 207 with lysine.
Molecular consequence: missense variant.
Genome position (GRCh38, 1-based): chr7:15,394,168, G>C on the plus strand (C>G on the coding strand, the complement: AGMO is on the minus strand). VCF-style: chr7-15394168-G-C. GRCh37 (hg19) VCF-style: chr7-15433793-G-C.
Other names: short protein forms N207K.
Identifiers: ClinVar variation 1701700 (VCV001701700.1), dbSNP rs565738776, ClinGen allele CA154062295.
Genomic context (GRCh38, chr7:15,394,168, plus strand): 5'-CTTACCATGATGAACCCTATGATGGCTAGGAGTATTAAGAATCAGTTCCAAAGGACCAAG[G>C]TTATTGATGACCTGTTTAAAACAGAAGGAATATTTATACATGTAGTTATCATTAAATGTG-3'
Protein context (NP_001004320.1, residues 197-217): QFWIHTEVIN[Asn207Lys]LGPLELILNT

ClinVar aggregate classification (germline): Uncertain significance (1 of 4 stars; one submission).

Conditions:
AGMO-related Neurodevelopmental disorder.

Submission:

New York Genome Center
Classification: Uncertain significance for AGMO-related Neurodevelopmental disorder. Last evaluated: 2021-12-19. Review status: criteria provided, single submitter. Criteria: NYGC Assertion Criteria 2020. Collection method: clinical testing. Allele origin: inherited. Observed: 1 compound heterozygote. Study: CSER-NYCKidSeq.
Comment: The inherited heterozygous c.621C>G,p.Asn207Lys missense variant identified in the AGMO gene has not been reported in affected individuals in the literature or in the ClinVar database. The variant is absent from gnomAD(v3) database suggesting it is not a common benign variant in the populations represented in that database. The variant affects a moderately conserved residue and is predicted benign by in silico prediction tools (CADD score = 16.65, REVEL score = 0.284). Based on the available evidence, the inherited heterozygous c.621C>G, p.Asn207Lys variant identified in the AGMO gene is reported as a Variant of Uncertain Significance.